The following is an entry in ClinVar:

NM_020320.5(RARS2):c.1511+1G>A

Gene: RARS2 (arginyl-tRNA synthetase 2, mitochondrial; minus strand). Cytogenetic location: 6q15.
Variant type: single nucleotide variant.
Coding change: c.1511+1G>A on transcript NM_020320.5 (MANE Select); the canonical splice donor site of the intron after coding-DNA position 1511, G replaced by A.
Molecular consequence: splice donor variant.
Genome position (GRCh38, 1-based): chr6:87,518,168, C>T on the plus strand (G>A on the coding strand, the complement: RARS2 is on the minus strand). VCF-style: chr6-87518168-C-T. GRCh37 (hg19) VCF-style: chr6-88227886-C-T.
Other names: c.1511+1G>A (NM_020320.4, NM_001350505.2); c.986+1G>A (NM_001350509.2, NM_001318785.2, NM_001350506.2 and 4 more transcripts).
Identifiers: ClinVar variation 1473022 (VCV001473022.7), dbSNP rs1772453347, ClinGen allele CA364920539.
Genomic context (GRCh38, chr6:87,518,168, plus strand): 5'-AATGCTAATAGCCATTTTGATAAGCAGAAGCACACTTGATGATCCCTGGAAAACATCATA[C>T]CTGAGAAGATGCTGAAGAATTGAAACAGACTGTGGCTCTTGTAAACAAGCAGTGTTGAAG-3'

ClinVar aggregate classification (germline): Likely pathogenic. Review status: criteria provided, multiple submitters, no conflicts (2 of 4 stars). 3 submissions from 3 submitters: Likely pathogenic (3). Last evaluated 2025-08-21.

Conditions:
Pontocerebellar hypoplasia type 6 (PCH6). Identifiers: Orphanet 166073, MedGen C1969084, MONDO:0012683, OMIM 611523.
Pontoneocerebellar hypoplasia. Also called: Pontocerebellar hypoplasia; Non-syndromic pontocerebellar hypoplasia. Identifiers: Orphanet 98523, MedGen C1261175, MONDO:0020135.

Allele frequency attached by ClinVar (database versions not stated): gnomAD exomes below 0.00001; TOPMed 0.00001.
gnomAD v4.1: 2 of 1,614,102 alleles (0.00012%); highest among the groups gnomAD compares: Non-Finnish European, 0.00017%; no homozygotes.

Submissions (3):

First Genomix Gene Laboratory, Genetic Diagnostics Department
Classification: Likely pathogenic for Pontocerebellar hypoplasia type 6. Last evaluated: 2025-08-21. Review status: criteria provided, single submitter. Criteria: ACMG Guidelines, 2015. Collection method: clinical testing. Allele origin: germline. Inheritance: Autosomal recessive inheritance. Affected: no. Observed: 1 variant allele.

Women's Health and Genetics/Laboratory Corporation of America, LabCorp
Classification: Likely pathogenic for Pontoneocerebellar hypoplasia. Last evaluated: 2023-06-19. Review status: criteria provided, single submitter. Criteria: LabCorp Variant Classification Summary - May 2015. Collection method: clinical testing. Allele origin: germline.
Comment: Variant summary: RARS2 c.1511+1G>A is located in a canonical splice-site and is predicted to affect mRNA splicing resulting in a significantly altered protein due to either exon skipping, shortening, or inclusion of intronic material. Four of four computational tools predict the variant has a significant impact on normal splicing by abolishing the canonical 5' splicing donor site. However, these predictions have yet to be confirmed by functional studies. The variant was absent in 251436 control chromosomes (gnomAD). To our knowledge, no occurrence of c.1511+1G>A in individuals affected with Pontocerebellar Hypoplasia, Type 6 and no experimental evidence demonstrating its impact on protein function have been reported. One submitter has provided a clinical-significance assessment for this variant to ClinVar after 2014 and has classified the variant as likely pathogenic. Based on the evidence outlined above, the variant was classified as likely pathogenic.

Labcorp Genetics (formerly Invitae), Labcorp
Classification: Likely pathogenic. Last evaluated: 2021-12-18. Review status: criteria provided, single submitter. Criteria: Invitae Variant Classification Sherloc (09022015). Collection method: clinical testing. Allele origin: germline.
Comment: In summary, the currently available evidence indicates that the variant is pathogenic, but additional data are needed to prove that conclusively. Therefore, this variant has been classified as Likely Pathogenic. Algorithms developed to predict the effect of sequence changes on RNA splicing suggest that this variant may disrupt the consensus splice site. This variant has not been reported in the literature in individuals affected with RARS2-related conditions. This variant is not present in population databases (gnomAD no frequency). This sequence change affects a donor splice site in intron 17 of the RARS2 gene. It is expected to disrupt RNA splicing. Variants that disrupt the donor or acceptor splice site typically lead to a loss of protein function (PMID: 16199547), and loss-of-function variants in RARS2 are known to be pathogenic (PMID: 17847012, 22569581, 26083569).

Literature cited by the submitters: PubMed 16199547 (cited by Labcorp Genetics (formerly Invitae), Labcorp); PubMed 17847012 (cited by Labcorp Genetics (formerly Invitae), Labcorp); PubMed 22569581 (cited by Labcorp Genetics (formerly Invitae), Labcorp); PubMed 26083569 (cited by Labcorp Genetics (formerly Invitae), Labcorp).